The following is an entry in ClinVar:

NM_004304.5(ALK):c.2842C>G (p.Pro948Ala)

Gene: ALK (ALK receptor tyrosine kinase; minus strand). Cytogenetic location: 2p23.2.
Variant type: single nucleotide variant.
Coding change: c.2842C>G on transcript NM_004304.5 (MANE Select); coding-DNA position 2842, C replaced by G.
Protein change: p.Pro948Ala; replaces proline 948 with alanine.
Molecular consequence: missense variant.
Genome position (GRCh38, 1-based): chr2:29,227,646, G>C on the plus strand (C>G on the coding strand, the complement: ALK is on the minus strand). VCF-style: chr2-29227646-G-C. GRCh37 (hg19) VCF-style: chr2-29450512-G-C.
Other names: short protein forms P948A.
Identifiers: ClinVar variation 1471925 (VCV001471925.8), dbSNP rs764482518, ClinGen allele CA346468763.
Genomic context (GRCh38, chr2:29,227,646, plus strand): 5'-GGGTGTACAGGATGCCCAGTGGACTGATGAAGGAAACCCCATCTTCCCCATCCATTTCGG[G>C]GTCATTGTTTGAGGCTGCATTGCCGCCTGAGTAGCAAACCAGAGCAGAGTTTAACATGGG-3'
Protein context (NP_004295.2, residues 938-958): IGGNAASNND[Pro948Ala]EMDGEDGVSF

ClinVar aggregate classification (germline): Uncertain significance (1 of 4 stars; one submission).

Conditions:
Neuroblastoma, susceptibility to, 3. Also called: ALK-Related Neuroblastic Tumor Susceptibility. Identifiers: Orphanet 635, MedGen C2751681, MONDO:0013083, OMIM 613014.

Submission:

Labcorp Genetics (formerly Invitae), Labcorp
Classification: Uncertain significance for Neuroblastoma, susceptibility to, 3. Last evaluated: 2021-01-13. Review status: criteria provided, single submitter. Criteria: Invitae Variant Classification Sherloc (09022015). Collection method: clinical testing. Allele origin: germline.
Comment: In summary, the available evidence is currently insufficient to determine the role of this variant in disease. Therefore, it has been classified as a Variant of Uncertain Significance. Algorithms developed to predict the effect of missense changes on protein structure and function (SIFT, PolyPhen-2, Align-GVGD) all suggest that this variant is likely to be disruptive, but these predictions have not been confirmed by published functional studies and their clinical significance is uncertain. This variant has not been reported in the literature in individuals with ALK-related conditions. This variant is not present in population databases (ExAC no frequency). This sequence change replaces proline with alanine at codon 948 of the ALK protein (p.Pro948Ala). The proline residue is highly conserved and there is a small physicochemical difference between proline and alanine.